The following is an entry in ClinVar:

ClinVar aggregate classification (germline): Conflicting classifications of pathogenicity. Review status: criteria provided, conflicting classifications (1 of 4 stars). 3 submissions from 3 submitters: Likely pathogenic (2); Uncertain significance (1). Last evaluated 2026-03-16.

Conditions:
Developmental and epileptic encephalopathy, 54. Also called: HNRNPU-Related Neurodevelopmental Disorder; Epileptic encephalopathy, early infantile, 54. Identifiers: MedGen C4479319, MONDO:0033363, OMIM 617391.

Submissions (3):

GeneDx
Classification: Uncertain significance. Last evaluated: 2026-03-16. Review status: criteria provided, single submitter. Criteria: GeneDx Variant Classification Process June 2021. Collection method: clinical testing. Allele origin: germline.
Comment: Canonical splice site variant in a gene or region of a gene for which loss of function is not a well-established mechanism of disease; Has not been previously published as pathogenic or benign to our knowledge

Labcorp Genetics (formerly Invitae), Labcorp
Classification: Likely pathogenic for Developmental and epileptic encephalopathy, 54. Last evaluated: 2025-03-01. Review status: criteria provided, single submitter. Criteria: Invitae Variant Classification Sherloc (09022015). Collection method: clinical testing. Allele origin: germline.
Comment: This variant results in the deletion of part of exon 1 (c.669_691+32del) of the HNRNPU gene. It is expected to disrupt RNA splicing. Variants that disrupt the donor or acceptor splice site typically lead to a loss of protein function (PMID: 16199547), and loss-of-function variants in HNRNPU are known to be pathogenic (PMID: 22678713, 28283832). This variant is present in population databases (no rsID available, gnomAD 0.003%). This variant has not been reported in the literature in individuals affected with HNRNPU-related conditions. ClinVar contains an entry for this variant (Variation ID: 1942117). In summary, the currently available evidence indicates that the variant is pathogenic, but additional data are needed to prove that conclusively. Therefore, this variant has been classified as Likely Pathogenic.

CeGaT Center for Human Genetics Tuebingen
Classification: Likely pathogenic. Last evaluated: 2024-05-01. Review status: criteria provided, single submitter. Criteria: CeGaT Center For Human Genetics Tuebingen Variant Classification Criteria Version 2. Collection method: clinical testing. Allele origin: germline. Affected: yes. Observed: 1 variant allele.
Comment: HNRNPU: PVS1, PM2:Supporting

Literature cited by the submitters: PubMed 16199547 (cited by Labcorp Genetics (formerly Invitae), Labcorp); PubMed 22678713 (cited by Labcorp Genetics (formerly Invitae), Labcorp); PubMed 28283832 (cited by Labcorp Genetics (formerly Invitae), Labcorp).

NM_031844.3(HNRNPU):c.669_691+32del

Genes: HNRNPU (heterogeneous nuclear ribonucleoprotein U; minus strand), LOC129932913 (ATAC-STARR-seq lymphoblastoid silent region 2020; plus strand). Cytogenetic location: 1q44.
Variant type: Deletion.
Coding change: c.669_691+32del on transcript NM_031844.3 (MANE Select); coding-DNA position 669 through 32 bases into the intron after coding-DNA position 691, 55 bases deleted.
Molecular consequence: splice donor variant. On other transcripts: intron variant (1).
Genome position (GRCh38, 1-based): chr1:244,863,585-244,863,639, 55 bases deleted. GRCh37 (hg19): chr1:245,026,894-245,026,948.
Other names: c.634+35_634+89del (NM_004501.3).
Identifiers: ClinVar variation 1942117 (VCV001942117.25), dbSNP rs1558190256, ClinGen allele CA530379976.